The following is an entry in ClinVar:

ClinVar aggregate classification (germline): Uncertain significance (1 of 4 stars; one submission).

Conditions:
Early-infantile DEE. Also called: Ohtahara syndrome; Early infantile epileptic encephalopathy; Early infantile epileptic encephalopathy with suppression bursts. Identifiers: Orphanet 1934, MedGen C0393706, MONDO:0800491.

Allele frequency attached by ClinVar (database versions not stated): TOPMed below 0.00001; gnomAD 0.00001.

Submission:

Labcorp Genetics (formerly Invitae), Labcorp
Classification: Uncertain significance for Early-infantile DEE. Last evaluated: 2024-10-25. Review status: criteria provided, single submitter. Criteria: Invitae Variant Classification Sherloc (09022015). Collection method: clinical testing. Allele origin: germline.
Comment: This sequence change falls in intron 20 of the SCN1A gene. It does not directly change the encoded amino acid sequence of the SCN1A protein. However, this sequence change falls within a region encompassing a cryptic exon in the SCN1A gene, in which variants have been shown to alter splicing (PMID: 30526861, 34107977). This variant is present in population databases (no rsID available, gnomAD 0.01%). This variant has not been reported in the literature in individuals affected with SCN1A-related conditions. Algorithms developed to predict the effect of sequence changes on RNA splicing suggest that this variant is not likely to affect RNA splicing. In summary, the available evidence is currently insufficient to determine the role of this variant in disease. Therefore, it has been classified as a Variant of Uncertain Significance.

Literature cited by the submitters: PubMed 30526861; PubMed 34107977.

NM_001165963.4(SCN1A):c.4002+2538T>C

Genes: SCN1A (sodium voltage-gated channel alpha subunit 1; minus strand), LOC102724058 (uncharacterized LOC102724058; plus strand). Cytogenetic location: 2q24.3.
Variant type: single nucleotide variant.
Coding change: c.4002+2538T>C on transcript NM_001165963.4 (MANE Select); 2538 bases into the intron after coding-DNA position 4002, T replaced by C.
Molecular consequence: intron variant.
Genome position (GRCh38, 1-based): chr2:166,007,181, A>G on the plus strand (T>C on the coding strand, the complement: SCN1A is on the minus strand). VCF-style: chr2-166007181-A-G. GRCh37 (hg19) VCF-style: chr2-166863691-A-G.
Other names: c.3969+2538T>C (NM_001353949.2, NM_001353950.2, NM_001353951.2 and 2 more transcripts); c.3918+2538T>C (NM_001353958.2, NM_001353957.2, NM_001165964.3); c.4002+2538T>C (NM_001202435.3, NM_001353948.2); c.3966+2538T>C (NM_001353955.2, NM_001353954.2); c.3915+2538T>C (NM_001353960.2); c.1560+2538T>C (NM_001353961.2).
Identifiers: ClinVar variation 2879748 (VCV002879748.3), dbSNP rs1354229815, ClinGen allele CA537134244.